The following is an entry in ClinVar:

NM_004360.5(CDH1):c.833-19T>G

Gene: CDH1 (cadherin 1; plus strand). Cytogenetic location: 16q22.1.
Variant type: single nucleotide variant.
Coding change: c.833-19T>G on transcript NM_004360.5 (MANE Select); 19 bases into the intron before coding-DNA position 833, T replaced by G.
Molecular consequence: intron variant.
Genome position (GRCh38, 1-based): chr16:68,811,665, T>G. VCF-style: chr16-68811665-T-G. GRCh37 (hg19) VCF-style: chr16-68845568-T-G.
Other names: c.-783-19T>G (NM_001317185.2); c.-987-19T>G (NM_001317186.2); c.833-19T>G (NM_001317184.2).
Identifiers: ClinVar variation 2066109 (VCV002066109.4), dbSNP rs762712874, ClinGen allele CA2580091829.
Genomic context (GRCh38, chr16:68,811,665, plus strand): 5'-GGCAGAATTGGATTAAGCAGTATTGACCCAGTCCCAAAGTGCAGCTTGTCTAAACCTTCA[T>G]CTCCTTGAACTCTTCCAGGAACCTCTGTGATGGAGGTCACAGCCACAGACGCGGACGATG-3'

ClinVar aggregate classification (germline): Uncertain significance (1 of 4 stars; one submission).

Conditions:
Hereditary diffuse gastric adenocarcinoma (HDGC). Also called: DIFFUSE GASTRIC AND LOBULAR BREAST CANCER SYNDROME. Identifiers: Orphanet 26106, MedGen C1708349, MONDO:0007648, OMIM 137215.

Submission:

Labcorp Genetics (formerly Invitae), Labcorp
Classification: Uncertain significance for Hereditary diffuse gastric adenocarcinoma. Last evaluated: 2022-02-02. Review status: criteria provided, single submitter. Criteria: Invitae Variant Classification Sherloc (09022015). Collection method: clinical testing. Allele origin: germline.
Comment: This variant is not present in population databases (gnomAD no frequency). This variant has not been reported in the literature in individuals affected with CDH1-related conditions. Algorithms developed to predict the effect of sequence changes on RNA splicing suggest that this variant may create or strengthen a splice site. In summary, the available evidence is currently insufficient to determine the role of this variant in disease. Therefore, it has been classified as a Variant of Uncertain Significance. This sequence change falls in intron 6 of the CDH1 gene. It does not directly change the encoded amino acid sequence of the CDH1 protein.